The following is an entry in ClinVar:

ClinVar aggregate classification (germline): Benign/Likely benign. Review status: criteria provided, multiple submitters, no conflicts (2 of 4 stars). 7 submissions from 6 submitters: Benign (3); Likely benign (4). Last evaluated 2026-06-18.

Conditions:
Polyps, multiple and recurrent inflammatory fibroid, gastrointestinal. Identifiers: MedGen C5193005, MONDO:0008285, OMIM 175510.
Hereditary cancer-predisposing syndrome. Also called: Tumor predisposition; Hereditary Cancer Syndrome; Neoplastic Syndromes, Hereditary; Hereditary neoplastic syndrome. Identifiers: Orphanet 140162, MedGen C0027672, MeSH D009386, MONDO:0015356.
Gastrointestinal stromal tumor. Also called: Gastrointestinal stromal tumor, somatic; Gastrointestinal stroma tumor. Identifiers: Orphanet 44890, MedGen C0238198, MeSH D046152, MONDO:0011719, OMIM 606764, HP:0100723.
Idiopathic hypereosinophilic syndrome (HES). Identifiers: Orphanet 3260, MedGen C0206141, MONDO:0011895, OMIM 607685. Disease mechanism: gain of function.

Allele frequency attached by ClinVar (database versions not stated): TOPMed 0.00066; gnomAD 0.00076; ESP Exome Variant Server 0.00092; 1000 Genomes Project 0.00140; 1000 Genomes Project 30x 0.00187.
gnomAD v4.1: 263 of 1,613,870 alleles (0.016%); highest among the groups gnomAD compares: African/African-American, 0.31%; no homozygotes.

Submissions (7):

Myriad Genetics, Inc.
Classification: Benign for Polyps, multiple and recurrent inflammatory fibroid, gastrointestinal. Last evaluated: 2026-06-18. Review status: criteria provided, single submitter. Criteria: Myriad Autosomal Dominant, Autosomal Recessive and X-Linked Classification Criteria (2023). Collection method: clinical testing. Allele origin: unknown.
Comment: This variant is considered benign. This variant is a silent/synonymous amino acid change and it is not expected to impact splicing.

Labcorp Genetics (formerly Invitae), Labcorp
Classification: Benign for Gastrointestinal stromal tumor. Last evaluated: 2026-01-31. Review status: criteria provided, single submitter. Criteria: Invitae Variant Classification Sherloc (09022015). Collection method: clinical testing. Allele origin: germline.

CeGaT Center for Human Genetics Tuebingen
Classification: Likely benign. Last evaluated: 2024-04-01. Review status: criteria provided, single submitter. Criteria: CeGaT Center For Human Genetics Tuebingen Variant Classification Criteria Version 2. Collection method: clinical testing. Allele origin: germline. Affected: yes. Observed: 1 variant allele.
Comment: PDGFRA: BP4, BP7

Sema4
Classification: Likely benign for Hereditary cancer-predisposing syndrome. Last evaluated: 2021-03-28. Review status: criteria provided, single submitter. Criteria: Sema4 Curation Guidelines. Collection method: curation. Allele origin: germline.

Ambry Genetics
Classification: Likely benign for Hereditary cancer-predisposing syndrome. Last evaluated: 2019-05-14. Review status: criteria provided, single submitter. Criteria: Ambry Variant Classification Scheme 2023. Collection method: clinical testing. Allele origin: germline.

Illumina Laboratory Services, Illumina
Classification: Likely benign for Gastrointestinal stromal tumor. Last evaluated: 2018-01-12. Review status: criteria provided, single submitter. Criteria: ICSL Variant Classification Criteria 13 December 2019. Collection method: clinical testing. Allele origin: germline.
Comment: This variant was observed in the ICSL laboratory as part of a predisposition screen in an ostensibly healthy population. It had not been previously curated by ICSL or reported in the Human Gene Mutation Database (HGMD: prior to June 1st, 2018), and was therefore a candidate for classification through an automated scoring system. Utilizing variant allele frequency, disease prevalence and penetrance estimates, and inheritance mode, an automated score was calculated to assess if this variant is too frequent to cause the disease. Based on the score and internal cut-off values, a variant classified as likely benign is not then subjected to further curation. The score for this variant resulted in a classification of likely benign for this disease.

Illumina Laboratory Services, Illumina
Classification: Benign for Idiopathic hypereosinophilic syndrome. Last evaluated: 2018-01-12. Review status: criteria provided, single submitter. Criteria: ICSL Variant Classification Criteria 13 December 2019. Collection method: clinical testing. Allele origin: germline.
Comment: This variant was observed in the ICSL laboratory as part of a predisposition screen in an ostensibly healthy population. It had not been previously curated by ICSL or reported in the Human Gene Mutation Database (HGMD: prior to June 1st, 2018), and was therefore a candidate for classification through an automated scoring system. Utilizing variant allele frequency, disease prevalence and penetrance estimates, and inheritance mode, an automated score was calculated to assess if this variant is too frequent to cause the disease. Based on the score and internal cut-off values, a variant classified as benign is not then subjected to further curation. The score for this variant resulted in a classification of benign for this disease.

NM_006206.6(PDGFRA):c.3228C>T (p.Ile1076=)

Gene: PDGFRA (platelet derived growth factor receptor alpha; plus strand). Cytogenetic location: 4q12.
Variant type: single nucleotide variant.
Coding change: c.3228C>T on transcript NM_006206.6 (MANE Select); coding-DNA position 3228, C replaced by T.
Protein change: p.Ile1076=; no amino-acid change (isoleucine 1076 retained).
Molecular consequence: synonymous variant.
Genome position (GRCh38, 1-based): chr4:54,295,230, C>T. VCF-style: chr4-54295230-C-T. GRCh37 (hg19) VCF-style: chr4-55161397-C-T.
Other names: c.3303C>T, p.Ile1101= (NM_001347828.2); c.3228C>T, p.Ile1076= (NM_001347829.2); c.3267C>T, p.Ile1089= (NM_001347830.2).
Identifiers: ClinVar variation 240347 (VCV000240347.41), dbSNP rs148629782, ClinGen allele CA2923067.